The following is an entry in ClinVar:

ClinVar aggregate classification (germline): Uncertain significance (1 of 4 stars; one submission).

Conditions:
Kabuki syndrome. Also called: Kabuki make-up syndrome; NIIKAWA-KUROKI SYNDROME. Identifiers: Orphanet 2322, MedGen C0796004, MONDO:0016512.

Allele frequency attached by ClinVar (database versions not stated): TOPMed below 0.00001; gnomAD exomes 0.00001.
gnomAD v4.1: 9 of 1,613,688 alleles (0.00056%); highest among the groups gnomAD compares: Non-Finnish European, 0.00076%; no homozygotes.

Submission:

Labcorp Genetics (formerly Invitae), Labcorp
Classification: Uncertain significance for Kabuki syndrome. Last evaluated: 2023-11-19. Review status: criteria provided, single submitter. Criteria: Invitae Variant Classification Sherloc (09022015). Collection method: clinical testing. Allele origin: germline.
Comment: This sequence change replaces lysine, which is basic and polar, with glutamic acid, which is acidic and polar, at codon 4556 of the KMT2D protein (p.Lys4556Glu). This variant is present in population databases (no rsID available, gnomAD 0.0009%). This variant has not been reported in the literature in individuals affected with KMT2D-related conditions. Advanced modeling of protein sequence and biophysical properties (such as structural, functional, and spatial information, amino acid conservation, physicochemical variation, residue mobility, and thermodynamic stability) performed at Invitae indicates that this missense variant is expected to disrupt KMT2D protein function with a positive predictive value of 95%. In summary, the available evidence is currently insufficient to determine the role of this variant in disease. Therefore, it has been classified as a Variant of Uncertain Significance.

NM_003482.4(KMT2D):c.13666A>G (p.Lys4556Glu)

Gene: KMT2D (lysine methyltransferase 2D; minus strand). Cytogenetic location: 12q13.12.
Variant type: single nucleotide variant.
Coding change: c.13666A>G on transcript NM_003482.4 (MANE Select); coding-DNA position 13666, A replaced by G.
Protein change: p.Lys4556Glu; replaces lysine 4556 with glutamic acid.
Molecular consequence: missense variant.
Genome position (GRCh38, 1-based): chr12:49,030,898, T>C on the plus strand (A>G on the coding strand, the complement: KMT2D is on the minus strand). VCF-style: chr12-49030898-T-C. GRCh37 (hg19) VCF-style: chr12-49424681-T-C.
Other names: short protein forms K4556E.
Identifiers: ClinVar variation 2981892 (VCV002981892.3), dbSNP rs1416468398, ClinGen allele CA384703053.